The following is an entry in ClinVar:

ClinVar aggregate classification (germline): Pathogenic. Review status: criteria provided, multiple submitters, no conflicts (2 of 4 stars). 8 submissions from 8 submitters: Pathogenic (7). 1 of the submissions does not count toward it. Last evaluated 2025-09-02.

Conditions:
Inborn genetic diseases. Identifiers: MedGen C0950123, MeSH D030342.
Intellectual disability-facial dysmorphism syndrome due to SETD5 haploinsufficiency (MRD23). Also called: Intellectual developmental disorder, autosomal dominant 23. Identifiers: Orphanet 404440, MedGen C3810406, MONDO:0014336, OMIM 615761.

Submissions (8):

Labcorp Genetics (formerly Invitae), Labcorp
Classification: Pathogenic. Last evaluated: 2025-09-02. Review status: criteria provided, single submitter. Criteria: Invitae Variant Classification Sherloc (09022015). Collection method: clinical testing. Allele origin: germline.
Comment: This sequence change creates a premature translational stop signal (p.Arg1001*) in the SETD5 gene. It is expected to result in an absent or disrupted protein product. Loss-of-function variants in SETD5 are known to be pathogenic (PMID: 24680889). This variant is not present in population databases (gnomAD no frequency). This premature translational stop signal has been observed in individual(s) with SETD5-related neurodevelopmental syndrome (PMID: 24680889). ClinVar contains an entry for this variant (Variation ID: 127104). For these reasons, this variant has been classified as Pathogenic.

Victorian Clinical Genetics Services, Murdoch Childrens Research Institute
Classification: Pathogenic for Intellectual disability-facial dysmorphism syndrome due to SETD5 haploinsufficiency. Last evaluated: 2024-10-10. Review status: criteria provided, single submitter. Criteria: ACMG Guidelines, 2015. Collection method: clinical testing. Allele origin: germline. Inheritance: Autosomal dominant inheritance. Affected: yes.
Comment: Based on the classification scheme VCGS_Germline_v1.3.4, this variant is classified as Pathogenic. Following criteria are met: 0102 - Loss of function is a known mechanism of disease in this gene and is associated with intellectual developmental disorder, autosomal dominant 23 (MIM#615761). (I) 0107 - This gene is associated with autosomal dominant disease. (I) 0115 - Variants in this gene are known to have variable expressivity. Some mildly affected parents with the same SETD5 variant as their more severely affected children have been reported (PMID: 28881385, 27375234). (I) 0201 - Variant is predicted to cause nonsense-mediated decay (NMD) and loss of protein (premature termination codon is located at least 54 nucleotides upstream of the final exon-exon junction). (SP) 0251 - This variant is heterozygous. (I) 0301 - Variant is absent from gnomAD (v2, v3, and v4). (SP) 0701 - Other NMD-predicted variants comparable to the one identified in this case have very strong previous evidence for pathogenicity. (DECIPHER). (SP) 0801 - This variant has strong previous evidence of pathogenicity in unrelated individuals. This variant has been reported three times as pathogenic by clinical laboratories in ClinVar. This variant has been observed as de novo in two unrelated individuals with syndromic intellectual disability (PMIDs; 24680889, 28881385). (SP) Legend: (SP) - Supporting pathogenic, (I) - Information, (SB) - Supporting benign

GeneDx
Classification: Pathogenic. Last evaluated: 2024-01-05. Review status: criteria provided, single submitter. Criteria: GeneDx Variant Classification Process June 2021. Collection method: clinical testing. Allele origin: germline. Affected: yes.
Comment: Nonsense variant predicted to result in protein truncation or nonsense mediated decay in a gene for which loss of function is a known mechanism of disease; Not observed at significant frequency in large population cohorts (gnomAD); This variant is associated with the following publications: (PMID: 28881385, 35904121, 24680889)

CeGaT Center for Human Genetics Tuebingen
Classification: Pathogenic. Last evaluated: 2022-07-01. Review status: criteria provided, single submitter. Criteria: CeGaT Center For Human Genetics Tuebingen Variant Classification Criteria Version 2. Collection method: clinical testing. Allele origin: germline. Affected: yes. Observed: 1 variant allele.
Comment: SETD5: PVS1, PM2, PS4:Supporting

Clinical Genetics Laboratory, Skane University Hospital Lund
Classification: Pathogenic. Last evaluated: 2022-05-27. Review status: criteria provided, single submitter. Criteria: ACMG Guidelines, 2015. Collection method: clinical testing. Allele origin: germline. Affected: yes.

Ambry Genetics
Classification: Pathogenic for Inborn genetic diseases. Last evaluated: 2016-03-22. Review status: criteria provided, single submitter. Criteria: Ambry exome assertion method (8-5-2015). Collection method: clinical testing. Allele origin: germline. Affected: yes. Observed: 1 variant allele.

Cytogénomique, Hospices Civils de Lyon
Classification: Pathogenic for Intellectual disability-facial dysmorphism syndrome due to SETD5 haploinsufficiency. Last evaluated: 2015-11-15. Review status: criteria provided, single submitter. Criteria: ACMG Guidelines, 2015. Collection method: clinical testing. Allele origin: de novo. Inheritance: Autosomal dominant inheritance. Affected: yes.

OMIM
Classification: Pathogenic for INTELLECTUAL DEVELOPMENTAL DISORDER, AUTOSOMAL DOMINANT 23. Last evaluated: 2014-04-03. Review status: no assertion criteria provided. Collection method: literature only. Allele origin: germline. Not counted in ClinVar's aggregate classification.

Literature cited by the submitters: PubMed 24680889 (cited by 3 submitters); PubMed 27375234 (cited by Victorian Clinical Genetics Services, Murdoch Childrens Research Institute); PubMed 28881385 (cited by Victorian Clinical Genetics Services, Murdoch Childrens Research Institute).

NM_001080517.3(SETD5):c.3001C>T (p.Arg1001Ter)

Gene: SETD5 (SET domain containing 5; plus strand). Cytogenetic location: 3p25.3.
Variant type: single nucleotide variant.
Coding change: c.3001C>T on transcript NM_001080517.3 (MANE Select); coding-DNA position 3001, C replaced by T.
Protein change: p.Arg1001Ter; replaces arginine 1001 with a stop codon.
Molecular consequence: nonsense.
Genome position (GRCh38, 1-based): chr3:9,470,735, C>T. VCF-style: chr3-9470735-C-T. GRCh37 (hg19) VCF-style: chr3-9512419-C-T.
Other names: c.2707C>T, p.Arg903Ter (NM_001292043.2, NM_001349451.2); c.3001C>T (NM_001080517.2); short protein forms R1001*, R903*.
Identifiers: ClinVar variation 127104 (VCV000127104.41), dbSNP rs587777327, ClinGen allele CA251335.